The following is an entry in ClinVar:

ClinVar aggregate classification (germline): Uncertain significance (1 of 4 stars; one submission).

Allele frequency attached by ClinVar (database versions not stated): gnomAD 0.00001; gnomAD exomes 0.00001; ExAC 0.00003; TOPMed 0.00003.
gnomAD v4.1: 21 of 1,613,984 alleles (0.0013%); highest among the groups gnomAD compares: Admixed American, 0.0083%; no homozygotes.

Submission:

Labcorp Genetics (formerly Invitae), Labcorp
Classification: Uncertain significance. Last evaluated: 2026-01-19. Review status: criteria provided, single submitter. Criteria: Invitae Variant Classification Sherloc (09022015). Collection method: clinical testing. Allele origin: germline.
Comment: This sequence change replaces arginine, which is basic and polar, with glutamine, which is neutral and polar, at codon 486 of the CACNA1D protein (p.Arg486Gln). This variant is present in population databases (rs745835964, gnomAD 0.01%). This variant has not been reported in the literature in individuals affected with CACNA1D-related conditions. ClinVar contains an entry for this variant (Variation ID: 1906828). An algorithm developed to predict the effect of missense changes on protein structure and function outputs the following: PolyPhen-2: "Benign". The glutamine amino acid residue is found in multiple mammalian species, which suggests that this missense change does not adversely affect protein function. In summary, the available evidence is currently insufficient to determine the role of this variant in disease. Therefore, it has been classified as a Variant of Uncertain Significance.

NM_001128840.3(CACNA1D):c.1457G>A (p.Arg486Gln)

Gene: CACNA1D (calcium voltage-gated channel subunit alpha1 D; plus strand). Cytogenetic location: 3p21.1.
Variant type: single nucleotide variant.
Coding change: c.1457G>A on transcript NM_001128840.3 (MANE Select); coding-DNA position 1457, G replaced by A.
Protein change: p.Arg486Gln; replaces arginine 486 with glutamine.
Molecular consequence: missense variant.
Genome position (GRCh38, 1-based): chr3:53,718,367, G>A. VCF-style: chr3-53718367-G-A. GRCh37 (hg19) VCF-style: chr3-53752394-G-A.
Other names: c.1457G>A, p.Arg486Gln (NM_000720.4, NM_001128839.3); short protein forms R486Q.
Identifiers: ClinVar variation 1906828 (VCV001906828.5), dbSNP rs745835964, ClinGen allele CA2453951.